The following is an entry in ClinVar:

NM_005677.4(COLQ):c.820C>T (p.Leu274Phe)

Gene: COLQ (collagen like tail subunit of asymmetric acetylcholinesterase; minus strand). Cytogenetic location: 3p25.1.
Variant type: single nucleotide variant.
Coding change: c.820C>T on transcript NM_005677.4 (MANE Select); coding-DNA position 820, C replaced by T.
Protein change: p.Leu274Phe; replaces leucine 274 with phenylalanine.
Molecular consequence: missense variant.
Genome position (GRCh38, 1-based): chr3:15,458,320, G>A on the plus strand (C>T on the coding strand, the complement: COLQ is on the minus strand). VCF-style: chr3-15458320-G-A. GRCh37 (hg19) VCF-style: chr3-15499827-G-A.
Other names: c.790C>T, p.Leu264Phe (NM_080538.2); c.718C>T, p.Leu240Phe (NM_080539.4); c.820C>T (NM_005677.3); short protein forms L240F, L274F, L264F.
Identifiers: ClinVar variation 1047547 (VCV001047547.9), dbSNP rs763262836, ClinGen allele CA2275948.

ClinVar aggregate classification (germline): Uncertain significance. Review status: criteria provided, multiple submitters, no conflicts (2 of 4 stars). 2 submissions from 2 submitters: Uncertain significance (2). Last evaluated 2025-02-09.

Conditions:
Inborn genetic diseases. Identifiers: MedGen C0950123, MeSH D030342.
Congenital myasthenic syndrome 5. Identifiers: Orphanet 590, MedGen C1864233, MONDO:0011281, OMIM 603034.

Allele frequency attached by ClinVar (database versions not stated): gnomAD exomes 0.00001; ExAC 0.00002.
gnomAD v4.1: 13 of 1,614,092 alleles (0.00081%); highest among the groups gnomAD compares: Middle Eastern, 0.033%; no homozygotes.

Submissions (2):

Ambry Genetics
Classification: Uncertain significance for Inborn genetic diseases. Last evaluated: 2025-02-09. Review status: criteria provided, single submitter. Criteria: Ambry Variant Classification Scheme 2023. Collection method: clinical testing. Allele origin: germline.

Labcorp Genetics (formerly Invitae), Labcorp
Classification: Uncertain significance for Congenital myasthenic syndrome 5. Last evaluated: 2022-08-22. Review status: criteria provided, single submitter. Criteria: Invitae Variant Classification Sherloc (09022015). Collection method: clinical testing. Allele origin: germline.
Comment: This sequence change replaces leucine, which is neutral and non-polar, with phenylalanine, which is neutral and non-polar, at codon 274 of the COLQ protein (p.Leu274Phe). This variant is present in population databases (rs763262836, gnomAD 0.003%). In summary, the available evidence is currently insufficient to determine the role of this variant in disease. Therefore, it has been classified as a Variant of Uncertain Significance. Algorithms developed to predict the effect of missense changes on protein structure and function output the following: SIFT: "Tolerated"; PolyPhen-2: "Not Available"; Align-GVGD: "Class C0". The phenylalanine amino acid residue is found in multiple mammalian species, which suggests that this missense change does not adversely affect protein function. ClinVar contains an entry for this variant (Variation ID: 1047547). This variant has not been reported in the literature in individuals affected with COLQ-related conditions.